The following is an entry in ClinVar:

ClinVar aggregate classification (germline): Uncertain significance (1 of 4 stars; one submission).

Allele frequency attached by ClinVar (database versions not stated): gnomAD exomes below 0.00001.
gnomAD v4.1: 1 of 1,608,528 alleles (0.000062%); highest among the groups gnomAD compares: Non-Finnish European, 0.000085%; no homozygotes.

Submission:

Ambry Genetics
Classification: Uncertain significance. Last evaluated: 2022-06-04. Review status: criteria provided, single submitter. Criteria: Ambry Variant Classification Scheme 2023. Collection method: clinical testing. Allele origin: germline.
Comment: The p.V1416I variant (also known as c.4246G>A), located in coding exon 18 of the NPAT gene, results from a G to A substitution at nucleotide position 4246. The valine at codon 1416 is replaced by isoleucine, an amino acid with highly similar properties. This amino acid position is conserved. In addition, this alteration is predicted to be tolerated by in silico analysis. Since supporting evidence is limited at this time, the clinical significance of this alteration remains unclear.

NM_002519.3(NPAT):c.4246G>A (p.Val1416Ile)

Gene: NPAT (nuclear protein, coactivator of histone transcription; minus strand). Cytogenetic location: 11q22.3.
Variant type: single nucleotide variant.
Coding change: c.4246G>A on transcript NM_002519.3 (MANE Select); coding-DNA position 4246, G replaced by A.
Protein change: p.Val1416Ile; replaces valine 1416 with isoleucine.
Molecular consequence: missense variant.
Genome position (GRCh38, 1-based): chr11:108,158,980, C>T on the plus strand (G>A on the coding strand, the complement: NPAT is on the minus strand). VCF-style: chr11-108158980-C-T. GRCh37 (hg19) VCF-style: chr11-108029707-C-T.
Other names: c.4267G>A, p.Val1423Ile (NM_001321307.1); short protein forms V1416I, V1423I.
Identifiers: ClinVar variation 1739034 (VCV001739034.2), dbSNP rs1178477706, ClinGen allele CA382509036.
Genomic context (GRCh38, chr11:108,158,980, plus strand): 5'-TGTTCTTATGTGTCCAGAATGTTTACTCATCATAATGCAATGATAACAAAAATTTGTCTA[C>T]ATCCATTCCTGCTGGAAATGAACTGGGAAGCTTCTTTTTCTGTTGAAAAAGAGAAAGAAA-3'
Protein context (NP_002510.2, residues 1406-1426): LPSSFPAGMD[Val1416Ile]DKFLLSLHYD